The following is an entry in ClinVar:

ClinVar aggregate classification (germline): Uncertain significance (1 of 4 stars; one submission).

Submission:

Labcorp Genetics (formerly Invitae), Labcorp
Classification: Uncertain significance. Last evaluated: 2021-12-27. Review status: criteria provided, single submitter. Criteria: Invitae Variant Classification Sherloc (09022015). Collection method: clinical testing. Allele origin: germline.
Comment: This sequence change replaces lysine, which is basic and polar, with arginine, which is basic and polar, at codon 2047 of the HMCN1 protein (p.Lys2047Arg). This variant is not present in population databases (gnomAD no frequency). In summary, the available evidence is currently insufficient to determine the role of this variant in disease. Therefore, it has been classified as a Variant of Uncertain Significance. Algorithms developed to predict the effect of missense changes on protein structure and function are either unavailable or do not agree on the potential impact of this missense change (SIFT: "Deleterious"; PolyPhen-2: "Probably Damaging"; Align-GVGD: "Class C0"). This variant has not been reported in the literature in individuals affected with HMCN1-related conditions.

NM_031935.3(HMCN1):c.6140A>G (p.Lys2047Arg)

Gene: HMCN1 (hemicentin 1; plus strand). Cytogenetic location: 1q31.1.
Variant type: single nucleotide variant.
Coding change: c.6140A>G on transcript NM_031935.3 (MANE Select); coding-DNA position 6140, A replaced by G.
Protein change: p.Lys2047Arg; replaces lysine 2047 with arginine.
Molecular consequence: missense variant.
Genome position (GRCh38, 1-based): chr1:186,039,839, A>G. VCF-style: chr1-186039839-A-G. GRCh37 (hg19) VCF-style: chr1-186008971-A-G.
Other names: short protein forms K2047R.
Identifiers: ClinVar variation 1394948 (VCV001394948.6), dbSNP rs2102231427, ClinGen allele CA343898817.
Genomic context (GRCh38, chr1:186,039,839, plus strand): 5'-ACCCGGTGAGGTTAGAATGTGAAGCCAGAGGTATTCCTGCCCCAAGTCTGACCTGGTTGA[A>G]AGATGGGAGTCCTGTTTCTAGTTTTTCTAATGGATTACAGGTACCTTCATTCATTTCTTT-3'
Protein context (NP_114141.2, residues 2037-2057): GIPAPSLTWL[Lys2047Arg]DGSPVSSFSN